The following is an entry in ClinVar:

ClinVar aggregate classification (germline): Likely benign (1 of 4 stars; one submission).

Submission:

GeneDx
Classification: Likely benign. Last evaluated: 2018-06-15. Review status: criteria provided, single submitter. Criteria: GeneDx Variant Classification (06012015). Collection method: clinical testing. Allele origin: germline. Affected: yes.
Comment: This variant is considered likely benign or benign based on one or more of the following criteria: it is a conservative change, it occurs at a poorly conserved position in the protein, it is predicted to be benign by multiple in silico algorithms, and/or has population frequency not consistent with disease.

NM_024422.6(DSC2):c.354+274del

Gene: DSC2 (desmocollin 2; minus strand). Cytogenetic location: 18q12.1.
Variant type: Deletion.
Coding change: c.354+274del on transcript NM_024422.6 (MANE Select); 274 bases into the intron after coding-DNA position 354, one base deleted (T; older notation c.354+274delT).
Molecular consequence: intron variant.
Genome position (GRCh38, 1-based): chr18:31,091,827, A deleted on the plus strand (T on the coding strand, the reverse complement: DSC2 is on the minus strand); the first of 10 consecutive A bases (chr18:31,091,827-31,091,836); deleting any one gives the same sequence. VCF-style (leftmost placement, unchanged base first): chr18-31091826-CA-C. GRCh37 (hg19) VCF-style: chr18-28671789-CA-C.
Other names: c.354+274del (NM_004949.5).
Identifiers: ClinVar variation 683466 (VCV000683466.1), dbSNP rs138357583, ClinGen allele CA297643965.